The following is an entry in ClinVar:

ClinVar aggregate classification (germline): Pathogenic/Likely pathogenic. Review status: criteria provided, multiple submitters, no conflicts (2 of 4 stars). 3 submissions from 3 submitters: Pathogenic (1); Likely pathogenic (1). 1 of the submissions does not count toward it. Last evaluated 2023-12-14.

Conditions:
Junctional epidermolysis bullosa gravis of Herlitz. Also called: EPIDERMOLYSIS BULLOSA JUNCTIONALIS, HERLITZ TYPE; EPIDERMOLYSIS BULLOSA, JUNCTIONAL, HERLITZ-PEARSON TYPE; JEB-HERLITZ TYPE; EPIDERMOLYSIS BULLOSA, JUNCTIONAL 1B, SEVERE; Epidermolysis Bullosa Letalis; Herlitz-type junctional epidermolysis bullosa. Identifiers: Orphanet 79404, MedGen C0079683, MONDO:0009182, OMIM 226700.
Junctional epidermolysis bullosa, non-Herlitz type. Also called: EPIDERMOLYSIS BULLOSA JUNCTIONALIS, DISENTIS TYPE; EPIDERMOLYSIS BULLOSA JUNCTIONALIS, NON-HERLITZ TYPE; EPIDERMOLYSIS BULLOSA JUNCTIONALIS, PROGRESSIVE; EPIDERMOLYSIS BULLOSA JUNCTIONALIS, SEVERE NONLETHAL; EPIDERMOLYSIS BULLOSA, JUNCTIONAL 1A, INTERMEDIATE; Adult junctional epidermolysis bullosa. Identifiers: Orphanet 251393, Orphanet 79402, Orphanet 79405, Orphanet 89840, MedGen C0268374, MONDO:0009180, OMIM 226650.
Amelogenesis imperfecta type 1A. Also called: Amelogenesis imperfecta local hypoplastic; Amelogenesis imperfecta, hypoplastic type; AMELOGENESIS IMPERFECTA, HYPOPLASTIC TYPE IA; Amelogenesis imperfecta, type IA. Identifiers: Orphanet 88661, MedGen C4011403, MONDO:0007094, OMIM 104530.

gnomAD v4.1: 16 of 1,601,746 alleles (0.001%); highest among the groups gnomAD compares: Non-Finnish European, 0.0014%; no homozygotes.

Submissions (3):

Labcorp Genetics (formerly Invitae), Labcorp
Classification: Pathogenic. Last evaluated: 2023-12-14. Review status: criteria provided, single submitter. Criteria: Invitae Variant Classification Sherloc (09022015). Collection method: clinical testing. Allele origin: germline.
Comment: This sequence change affects a donor splice site in intron 11 of the LAMB3 gene. It is expected to disrupt RNA splicing. Variants that disrupt the donor or acceptor splice site typically lead to a loss of protein function (PMID: 16199547), and loss-of-function variants in LAMB3 are known to be pathogenic (PMID: 11023379, 16473856). This variant is not present in population databases (gnomAD no frequency). Disruption of this splice site has been observed in individual(s) with junctional epidermolysis bullosa (PMID: 25708563). In at least one individual the data is consistent with being in trans (on the opposite chromosome) from a pathogenic variant. ClinVar contains an entry for this variant (Variation ID: 551396). Algorithms developed to predict the effect of sequence changes on RNA splicing suggest that this variant may disrupt the consensus splice site. For these reasons, this variant has been classified as Pathogenic.

Fulgent Genetics
Classification: Likely pathogenic for Amelogenesis imperfecta type 1A; Junctional epidermolysis bullosa, non-Herlitz type; Junctional epidermolysis bullosa gravis of Herlitz. Last evaluated: 2018-10-31. Review status: criteria provided, single submitter. Criteria: ACMG Guidelines, 2015. Collection method: clinical testing. Allele origin: unknown.

Counsyl
Classification: Likely pathogenic for Junctional epidermolysis bullosa gravis of Herlitz. Last evaluated: 2017-04-06. Review status: no assertion criteria provided. Collection method: clinical testing. Allele origin: unknown. Not counted in ClinVar's aggregate classification.

Literature cited by the submitters: PubMed 16199547 (cited by Labcorp Genetics (formerly Invitae), Labcorp); PubMed 11023379 (cited by Labcorp Genetics (formerly Invitae), Labcorp); PubMed 16473856 (cited by Labcorp Genetics (formerly Invitae), Labcorp); PubMed 25708563 (cited by Labcorp Genetics (formerly Invitae), Labcorp and Counsyl).

NM_000228.3(LAMB3):c.1288+1G>T

Gene: LAMB3 (laminin subunit beta 3; minus strand). Cytogenetic location: 1q32.2.
Variant type: single nucleotide variant.
Coding change: c.1288+1G>T on transcript NM_000228.3 (MANE Select); the canonical splice donor site of the intron after coding-DNA position 1288, G replaced by T.
Molecular consequence: splice donor variant.
Genome position (GRCh38, 1-based): chr1:209,628,034, C>A on the plus strand (G>T on the coding strand, the complement: LAMB3 is on the minus strand). VCF-style: chr1-209628034-C-A. GRCh37 (hg19) VCF-style: chr1-209801379-C-A.
Other names: c.1288+1G>T (NM_001127641.1, NM_001017402.2).
Identifiers: ClinVar variation 551396 (VCV000551396.8), dbSNP rs1186161867, ClinGen allele CA344591387.
Genomic context (GRCh38, chr1:209,628,034, plus strand): 5'-GTGGGTCTGGTGGCCCCATGCAGCCCACCCCACGTCATGCTGGGCCAAGCCCCCTACTCA[C>A]GGTGGCAGCCCTGCGGGTTGGCGTAGGTGAGTCCAGTGAAGCCCGGCTTGCATAGGTCAC-3'